The following is an entry in ClinVar:

NM_001111125.3(IQSEC2):c.3055T>C (p.Tyr1019His)

Gene: IQSEC2 (IQ motif and Sec7 domain ArfGEF 2; minus strand). Cytogenetic location: Xp11.22.
Variant type: single nucleotide variant.
Coding change: c.3055T>C on transcript NM_001111125.3 (MANE Select); coding-DNA position 3055, T replaced by C.
Protein change: p.Tyr1019His; replaces tyrosine 1019 with histidine.
Molecular consequence: missense variant.
Genome position (GRCh38, 1-based): chrX:53,239,255, A>G on the plus strand (T>C on the coding strand, the complement: IQSEC2 is on the minus strand). VCF-style: chrX-53239255-A-G. GRCh37 (hg19) VCF-style: chrX-53268437-A-G.
Other names: c.3055T>C, p.Tyr1019His (NM_001410736.1); c.2440T>C, p.Tyr814His (NM_015075.2); short protein forms Y1019H, Y814H.
Identifiers: ClinVar variation 2662132 (VCV002662132.1), dbSNP rs2519714203, ClinGen allele CA413147811.

ClinVar aggregate classification (germline): Uncertain significance (1 of 4 stars; one submission).

Submission:

GeneDx
Classification: Uncertain significance. Last evaluated: 2023-04-26. Review status: criteria provided, single submitter. Criteria: GeneDx Variant Classification Process June 2021. Collection method: clinical testing. Allele origin: germline. Affected: yes.
Comment: Not observed at significant frequency in large population cohorts (gnomAD); In silico analysis supports that this missense variant has a deleterious effect on protein structure/function; Has not been previously published as pathogenic or benign to our knowledge